The following is an entry in ClinVar:

ClinVar aggregate classification (germline): Likely benign (0 of 4 stars; one submission).

Conditions:
CLPTM1-related disorder. Also called: CLPTM1-related condition.

Allele frequency attached by ClinVar (database versions not stated): 1000 Genomes Project 0.00200; 1000 Genomes Project 30x 0.00219; ExAC 0.00019; gnomAD 0.00251.
gnomAD v4.1: 688 of 1,535,742 alleles (0.045%); highest among the groups gnomAD compares: African/African-American, 0.87%; 2 homozygotes.

Submission:

PreventionGenetics, part of Exact Sciences
Classification: Likely benign for CLPTM1-related condition. Last evaluated: 2019-05-28. Review status: no assertion criteria provided. Collection method: clinical testing. Allele origin: germline.
Comment: This variant is classified as likely benign based on ACMG/AMP sequence variant interpretation guidelines (Richards et al. 2015 PMID: 25741868, with internal and published modifications).

NM_001282175.2(CLPTM1):c.30+1G>T

Gene: CLPTM1 (CLPTM1 regulator of GABA type A receptor forward trafficking; plus strand). Cytogenetic location: 19q13.32.
Variant type: single nucleotide variant.
Coding change: c.30+1G>T on transcript NM_001282175.2; the canonical splice donor site of the intron after coding-DNA position 30, G replaced by T.
Molecular consequence: splice donor variant. On other transcripts: intron variant (1).
Genome position (GRCh38, 1-based): chr19:44,955,086, G>T. VCF-style: chr19-44955086-G-T. GRCh37 (hg19) VCF-style: chr19-45458343-G-T.
Other names: c.-235+385G>T (NM_001282176.2).
Identifiers: ClinVar variation 3038555 (VCV003038555.2), dbSNP rs146537404, ClinGen allele CA9506692.